The following is an entry in ClinVar:

ClinVar aggregate classification (germline): Pathogenic (1 of 4 stars; one submission).

Submission:

Labcorp Genetics (formerly Invitae), Labcorp
Classification: Pathogenic. Last evaluated: 2022-08-19. Review status: criteria provided, single submitter. Criteria: Invitae Variant Classification Sherloc (09022015). Collection method: clinical testing. Allele origin: germline.
Comment: This sequence change creates a premature translational stop signal (p.Gly45*) in the CLTC gene. It is expected to result in an absent or disrupted protein product. Loss-of-function variants in CLTC are known to be pathogenic (PMID: 29100083). This variant is not present in population databases (gnomAD no frequency). This variant has not been reported in the literature in individuals affected with CLTC-related conditions. For these reasons, this variant has been classified as Pathogenic.

Literature cited by the submitters: PubMed 29100083.

NM_004859.4(CLTC):c.133G>T (p.Gly45Ter)

Gene: CLTC (clathrin heavy chain; plus strand). Cytogenetic location: 17q23.1.
Variant type: single nucleotide variant.
Coding change: c.133G>T on transcript NM_004859.4 (MANE Select); coding-DNA position 133, G replaced by T.
Protein change: p.Gly45Ter; replaces glycine 45 with a stop codon.
Molecular consequence: nonsense.
Genome position (GRCh38, 1-based): chr17:59,644,366, G>T. VCF-style: chr17-59644366-G-T. GRCh37 (hg19) VCF-style: chr17-57721727-G-T.
Other names: c.133G>T, p.Gly45Ter (NM_001288653.2); short protein forms G45*.
Identifiers: ClinVar variation 2024950 (VCV002024950.4), dbSNP rs2509357240, ClinGen allele CA400418755.